The following is an entry in ClinVar:

NM_000540.3(RYR1):c.1155C>T (p.Asp385=)

Gene: RYR1 (ryanodine receptor 1; plus strand). Cytogenetic location: 19q13.2.
Variant type: single nucleotide variant.
Coding change: c.1155C>T on transcript NM_000540.3 (MANE Select); coding-DNA position 1155, C replaced by T.
Protein change: p.Asp385=; no amino-acid change (aspartic acid 385 retained).
Molecular consequence: synonymous variant.
Genome position (GRCh38, 1-based): chr19:38,451,796, C>T. VCF-style: chr19-38451796-C-T. GRCh37 (hg19) VCF-style: chr19-38942436-C-T.
Other names: c.1155C>T, p.Asp385= (NM_001042723.2).
Identifiers: ClinVar variation 478160 (VCV000478160.15), dbSNP rs144658230, ClinGen allele CA057144.

ClinVar aggregate classification (germline): Likely benign. Review status: criteria provided, multiple submitters, no conflicts (2 of 4 stars). 4 submissions from 4 submitters: Likely benign (4). Last evaluated 2026-08-01.

Conditions:
RYR1-related disorder. Also called: RYR1-related disorders; RYR1-related condition. Identifiers: MedGen CN239331.
Malignant hyperthermia, susceptibility to, 1 (MHS1). Also called: Anesthesia related hyperthermia; Malignant hyperpyrexia; Fulminating hyperpyrexia; Pharmacogenic myopathy; Malignant hyperthermia suceptibility 1; RYR1-Related Malignant Hyperthermia Susceptibility. Identifiers: Orphanet 423, MedGen C2930980, MONDO:0007783, OMIM 145600.

Allele frequency attached by ClinVar (database versions not stated): gnomAD exomes 0.00004 and 0.00016; ExAC 0.00008; TOPMed 0.00018; ESP Exome Variant Server 0.00023; gnomAD 0.00029 and 0.00030; 1000 Genomes Project 0.00060; 1000 Genomes Project 30x 0.00062.
gnomAD v4.1: 109 of 1,614,130 alleles (0.0068%); highest among the groups gnomAD compares: Admixed American, 0.08%; no homozygotes.

Submissions (4):

CeGaT Center for Human Genetics Tuebingen
Classification: Likely benign. Last evaluated: 2026-08-01. Review status: criteria provided, single submitter. Criteria: CeGaT Center For Human Genetics Tuebingen Variant Classification Criteria Version 2. Collection method: clinical testing. Allele origin: germline. Affected: yes. Observed: 2 variant alleles.
Comment: RYR1: BP4, BP7

Labcorp Genetics (formerly Invitae), Labcorp
Classification: Likely benign for RYR1-related disorder. Last evaluated: 2026-01-07. Review status: criteria provided, single submitter. Criteria: Invitae Variant Classification Sherloc (09022015). Collection method: clinical testing. Allele origin: germline.

All of Us Research Program, National Institutes of Health
Classification: Likely benign for Malignant hyperthermia, susceptibility to, 1. Last evaluated: 2024-02-05. Review status: criteria provided, single submitter. Criteria: ACMG Guidelines, 2015. Collection method: clinical testing. Allele origin: germline. Inheritance: Autosomal dominant inheritance. Observed: 16 variant alleles, 16 heterozygotes.
Comment: This study involves interpretation of variants in research participants for the purpose of population health screening. Participant phenotype was not available at the time of variant classification. Additional details can be found in publication PMID: 35346344, PMCID: PMC8962531

Color Diagnostics, LLC DBA Color Health
Classification: Likely benign for Malignant hyperthermia, susceptibility to, 1. Last evaluated: 2022-04-29. Review status: criteria provided, single submitter. Criteria: ACMG Guidelines, 2015. Collection method: clinical testing. Allele origin: germline.